The following is an entry in ClinVar:

NM_001161352.2(KCNMA1):c.91G>A (p.Ala31Thr)

Gene: KCNMA1 (potassium calcium-activated channel subfamily M alpha 1; minus strand). Cytogenetic location: 10q22.3.
Variant type: single nucleotide variant.
Coding change: c.91G>A on transcript NM_001161352.2 (MANE Select); coding-DNA position 91, G replaced by A.
Protein change: p.Ala31Thr; replaces alanine 31 with threonine.
Molecular consequence: missense variant.
Genome position (GRCh38, 1-based): chr10:77,637,552, C>T on the plus strand (G>A on the coding strand, the complement: KCNMA1 is on the minus strand). VCF-style: chr10-77637552-C-T. GRCh37 (hg19) VCF-style: chr10-79397310-C-T.
Other names: c.91G>A, p.Ala31Thr (NM_001014797.3, NM_001161353.2, NM_001271518.2 and 13 more transcripts); short protein forms A31T.
Identifiers: ClinVar variation 3680760 (VCV003680760.2).

ClinVar aggregate classification (germline): Uncertain significance (1 of 4 stars; one submission).

Conditions:
Generalized epilepsy-paroxysmal dyskinesia syndrome (PNKD3). Also called: Paroxysmal nonkinesigenic dyskinesia, 3, with or without generalized epilepsy; Generalized epilepsy and paroxysmal dyskinesia. Identifiers: Orphanet 79137, MedGen C5574945, MONDO:0012276, OMIM 609446.

gnomAD v4.1: 2 of 1,544,334 alleles (0.00013%); highest among the groups gnomAD compares: South Asian, 0.0012%; no homozygotes.

Submission:

Labcorp Genetics (formerly Invitae), Labcorp
Classification: Uncertain significance for Generalized epilepsy-paroxysmal dyskinesia syndrome. Last evaluated: 2024-10-15. Review status: criteria provided, single submitter. Criteria: Invitae Variant Classification Sherloc (09022015). Collection method: clinical testing. Allele origin: germline.
Comment: This sequence change replaces alanine, which is neutral and non-polar, with threonine, which is neutral and polar, at codon 31 of the KCNMA1 protein (p.Ala31Thr). This variant is not present in population databases (gnomAD no frequency). This variant has not been reported in the literature in individuals affected with KCNMA1-related conditions. An algorithm developed to predict the effect of missense changes on protein structure and function (PolyPhen-2) suggests that this variant is likely to be disruptive. In summary, the available evidence is currently insufficient to determine the role of this variant in disease. Therefore, it has been classified as a Variant of Uncertain Significance.